The following is an entry in ClinVar:

ClinVar aggregate classification (germline): Conflicting classifications of pathogenicity. Review status: criteria provided, conflicting classifications (1 of 4 stars). 7 submissions from 7 submitters: Uncertain significance (1); Likely benign (5). 1 of the submissions does not count toward it. Last evaluated 2025-07-16.

Conditions:
Hereditary cancer-predisposing syndrome. Also called: Neoplastic Syndromes, Hereditary; Hereditary Cancer Syndrome; Hereditary neoplastic syndrome; Tumor predisposition. Identifiers: Orphanet 140162, MedGen C0027672, MeSH D009386, MONDO:0015356.
Peutz-Jeghers syndrome (PJS). Also called: Peutz-Jeghers polyposis; Periorificial lentiginosis syndrome; POLYPOSIS, HAMARTOMATOUS INTESTINAL; POLYPS-AND-SPOTS SYNDROME. Identifiers: Orphanet 2869, MedGen C0031269, MeSH D010580, MONDO:0008280, OMIM 175200.

Submissions (7):

Labcorp Genetics (formerly Invitae), Labcorp
Classification: Likely benign for Peutz-Jeghers syndrome. Last evaluated: 2025-07-16. Review status: criteria provided, single submitter. Criteria: Invitae Variant Classification Sherloc (09022015). Collection method: clinical testing. Allele origin: germline.

All of Us Research Program, National Institutes of Health
Classification: Likely benign for Peutz-Jeghers syndrome. Last evaluated: 2023-08-28. Review status: criteria provided, single submitter. Criteria: ACMG Guidelines, 2015. Collection method: clinical testing. Allele origin: germline. Inheritance: Autosomal dominant inheritance. Observed: 2 variant alleles, 2 heterozygotes.
Comment: This study involves interpretation of variants in research participants for the purpose of population health screening. Participant phenotype was not available at the time of variant classification. Additional details can be found in publication PMID: 35346344, PMCID: PMC8962531

Myriad Genetics, Inc.
Classification: Likely benign for Peutz-Jeghers syndrome. Last evaluated: 2023-04-14. Review status: criteria provided, single submitter. Criteria: Myriad Autosomal Dominant, Autosomal Recessive and X-Linked Classification Criteria (2023). Collection method: clinical testing. Allele origin: unknown.
Comment: This variant is considered likely benign. This variant is intronic and is not expected to impact mRNA splicing.

Genome-Nilou Lab
Classification: Uncertain significance for Peutz-Jeghers syndrome. Last evaluated: 2021-07-15. Review status: criteria provided, single submitter. Criteria: ACMG Guidelines, 2015. Collection method: clinical testing. Allele origin: germline. Affected: no.

Color Diagnostics, LLC DBA Color Health
Classification: Likely benign for Hereditary cancer-predisposing syndrome. Last evaluated: 2018-01-29. Review status: criteria provided, single submitter. Criteria: ACMG Guidelines, 2015. Collection method: clinical testing. Allele origin: germline.

Ambry Genetics
Classification: Likely benign for Hereditary cancer-predisposing syndrome. Last evaluated: 2013-08-06. Review status: criteria provided, single submitter. Criteria: Ambry Autosomal Dominant and X-Linked criteria (10/2015). Collection method: clinical testing. Allele origin: germline. Observed: 1 variant allele.

Counsyl
Classification: Uncertain significance for Peutz-Jeghers syndrome. Last evaluated: 2018-01-19. Review status: no assertion criteria provided. Collection method: clinical testing. Allele origin: unknown. Not counted in ClinVar's aggregate classification.

NM_000455.5(STK11):c.598-11C>T

Gene: STK11 (serine/threonine kinase 11; plus strand). Cytogenetic location: 19p13.3.
Variant type: single nucleotide variant.
Coding change: c.598-11C>T on transcript NM_000455.5 (MANE Select); 11 bases into the intron before coding-DNA position 598, C replaced by T.
Molecular consequence: intron variant.
Genome position (GRCh38, 1-based): chr19:1,220,570, C>T. VCF-style: chr19-1220570-C-T. GRCh37 (hg19) VCF-style: chr19-1220569-C-T.
Identifiers: ClinVar variation 142394 (VCV000142394.14), dbSNP rs587782431, ClinGen allele CA023108.
Genomic context (GRCh38, chr19:1,220,570, plus strand): 5'-GCACGTGCTAGGGGGGGCCCTGGGGCGCCCCCTCCCGGGCACTCCCTGAGGGCTGCACGG[C>T]ACCGCCACAGGCACTGCACCCGTTCGCGGCGGACGACACCTGCCGGACCAGCCAGGGCTC-3'